The following is an entry in ClinVar:

ClinVar aggregate classification (germline): Likely benign (1 of 4 stars; one submission).

Conditions:
NTRK2-related disorder. Also called: NTRK2-related condition.

gnomAD v4.1: 1 of 1,614,016 alleles (0.000062%); highest among the groups gnomAD compares: Admixed American, 0.0017%; no homozygotes.

Submission:

PreventionGenetics, part of Exact Sciences
Classification: Likely benign for NTRK2-related condition. Last evaluated: 2026-01-19. Review status: criteria provided, single submitter. Criteria: ACMG Guidelines, 2015. Collection method: clinical testing. Allele origin: germline.
Comment: This variant is classified as likely benign based on ACMG/AMP sequence variant interpretation guidelines (Richards et al. 2015 PMID: 25741868, with internal and published modifications).

NM_006180.6(NTRK2):c.582T>C (p.Cys194=)

Gene: NTRK2 (neurotrophic receptor tyrosine kinase 2; plus strand). Cytogenetic location: 9q21.33.
Variant type: single nucleotide variant.
Coding change: c.582T>C on transcript NM_006180.6 (MANE Select); coding-DNA position 582, T replaced by C.
Protein change: p.Cys194=; no amino-acid change (cysteine 194 retained).
Molecular consequence: synonymous variant.
Genome position (GRCh38, 1-based): chr9:84,710,790, T>C. VCF-style: chr9-84710790-T-C. GRCh37 (hg19) VCF-style: chr9-87325705-T-C.
Other names: c.582T>C, p.Cys194= (NM_001007097.3, NM_001018064.3, NM_001018065.2 and 18 more transcripts); c.114T>C, p.Cys38= (NM_001369535.1, NM_001369536.1, NM_001369550.1 and 2 more transcripts).
Identifiers: ClinVar variation 4994215 (VCV004994215.1).